The following is an entry in ClinVar:

NM_000321.3(RB1):c.1268G>A (p.Gly423Glu)

Gene: RB1 (RB transcriptional corepressor 1; plus strand). Cytogenetic location: 13q14.2.
Variant type: single nucleotide variant.
Coding change: c.1268G>A on transcript NM_000321.3 (MANE Select); coding-DNA position 1268, G replaced by A.
Protein change: p.Gly423Glu; replaces glycine 423 with glutamic acid.
Molecular consequence: missense variant.
Genome position (GRCh38, 1-based): chr13:48,376,970, G>A. VCF-style: chr13-48376970-G-A. GRCh37 (hg19) VCF-style: chr13-48951106-G-A.
Other names: short protein forms G423E.
Identifiers: ClinVar variation 421552 (VCV000421552.22), dbSNP rs748635133, ClinGen allele CA028058.

ClinVar aggregate classification (germline): Conflicting classifications of pathogenicity. Review status: criteria provided, conflicting classifications (1 of 4 stars). 5 submissions from 5 submitters: Uncertain significance (3); Benign (1); Likely benign (1). Last evaluated 2025-10-27.

Conditions:
Hereditary cancer-predisposing syndrome. Also called: Hereditary neoplastic syndrome; Neoplastic Syndromes, Hereditary; Tumor predisposition; Hereditary Cancer Syndrome. Identifiers: Orphanet 140162, MedGen C0027672, MeSH D009386, MONDO:0015356.
Retinoblastoma (RB1). Also called: RETINOBLASTOMA, SOMATIC. Identifiers: Orphanet 790, MedGen C0035335, MeSH D012175, MONDO:0008380, OMIM 180200, HP:0009919. Disease mechanism: loss of function. Inheritance: Both sporadic and heritable forms are tested..

Allele frequency attached by ClinVar (database versions not stated): gnomAD exomes below 0.00001 and 0.00001; ExAC 0.00001; gnomAD 0.00001.

Submissions (5):

Labcorp Genetics (formerly Invitae), Labcorp
Classification: Benign for Retinoblastoma. Last evaluated: 2025-10-27. Review status: criteria provided, single submitter. Criteria: Invitae Variant Classification Sherloc (09022015). Collection method: clinical testing. Allele origin: germline.

GeneDx
Classification: Uncertain significance. Last evaluated: 2024-08-19. Review status: criteria provided, single submitter. Criteria: GeneDx Variant Classification Process June 2021. Collection method: clinical testing. Allele origin: germline. Affected: yes.
Comment: Not observed at significant frequency in large population cohorts (gnomAD); In silico analysis supports that this missense variant has a deleterious effect on protein structure/function; Has not been previously published as pathogenic or benign to our knowledge; This variant is associated with the following publications: (PMID: 23516486, Day alan_2006_Review, MuniA2023[preprint])

All of Us Research Program, National Institutes of Health
Classification: Uncertain significance for Retinoblastoma. Last evaluated: 2024-08-13. Review status: criteria provided, single submitter. Criteria: ACMG Guidelines, 2015. Collection method: clinical testing. Allele origin: germline. Inheritance: Autosomal dominant inheritance. Observed: 4 variant alleles, 4 heterozygotes.
Comment: This missense variant replaces glycine with glutamic acid at codon 423 of the RB1 protein. Computational prediction suggests that this variant may have deleterious impact on protein structure and function (internally defined REVEL score threshold >= 0.7, PMID: 27666373). To our knowledge, functional studies have not been reported for this variant. This variant has not been reported in individuals affected with RB1-related disorders in the literature. This variant has been identified in 2/251018 chromosomes in the general population by the Genome Aggregation Database (gnomAD). The available evidence is insufficient to determine the role of this variant in disease conclusively. Therefore, this variant is classified as a Variant of Uncertain Significance.

This study involves interpretation of variants in research participants for the purpose of population health screening. Participant phenotype was not available at the time of variant classification. Additional details can be found in publication PMID: 35346344, PMCID: PMC8962531

Color Diagnostics, LLC DBA Color Health
Classification: Uncertain significance for Retinoblastoma. Last evaluated: 2024-07-24. Review status: criteria provided, single submitter. Criteria: ACMG Guidelines, 2015. Collection method: clinical testing. Allele origin: germline.
Comment: This missense variant replaces glycine with glutamic acid at codon 423 of the RB1 protein. Computational prediction suggests that this variant may have deleterious impact on protein structure and function. To our knowledge, functional studies have not been reported for this variant. This variant has not been reported in individuals affected with RB1-related disorders in the literature. This variant has been identified in 2/251018 chromosomes in the general population by the Genome Aggregation Database (gnomAD). The available evidence is insufficient to determine the role of this variant in disease conclusively. Therefore, this variant is classified as a Variant of Uncertain Significance.

Ambry Genetics
Classification: Likely benign for Hereditary cancer-predisposing syndrome. Last evaluated: 2023-06-06. Review status: criteria provided, single submitter. Criteria: Ambry Variant Classification Scheme 2023. Collection method: clinical testing. Allele origin: germline.